The following is an entry in ClinVar:

ClinVar aggregate classification (germline): Benign/Likely benign. Review status: criteria provided, multiple submitters, no conflicts (2 of 4 stars). 3 submissions from 3 submitters: Benign (1); Likely benign (2). Last evaluated 2025-08-24.

Conditions:
Hereditary cancer-predisposing syndrome. Also called: Hereditary Cancer Syndrome; Neoplastic Syndromes, Hereditary; Hereditary neoplastic syndrome; Tumor predisposition. Identifiers: Orphanet 140162, MedGen C0027672, MeSH D009386, MONDO:0015356.
Ataxia-telangiectasia syndrome (AT). Also called: ATAXIA-TELANGIECTASIA, COMPLEMENTATION GROUP A; ATAXIA-TELANGIECTASIA, FRESNO VARIANT; Ataxia-telangiectasia, complementation group E; Ataxia telangiectasia (A-T); Ataxia-telangiectasia, complementation group D; AT, COMPLEMENTATION GROUP C. Identifiers: Orphanet 100, MedGen C0004135, MONDO:0008840, OMIM 208900.
Familial cancer of breast. Also called: hereditary breast carcinoma; BREAST CANCER, FAMILIAL; Hereditary breast cancer. Identifiers: Orphanet 227535, MedGen C0346153, MONDO:0016419, OMIM 114480. Disease mechanism: loss of function.

Allele frequency attached by ClinVar (database versions not stated): gnomAD exomes below 0.00001.

Submissions (3):

Color Diagnostics, LLC DBA Color Health
Classification: Likely benign for Hereditary cancer-predisposing syndrome. Last evaluated: 2025-08-24. Review status: criteria provided, single submitter. Criteria: ACMG Guidelines, 2015. Collection method: clinical testing. Allele origin: germline.

Labcorp Genetics (formerly Invitae), Labcorp
Classification: Likely benign for Ataxia-telangiectasia syndrome. Last evaluated: 2025-04-02. Review status: criteria provided, single submitter. Criteria: Invitae Variant Classification Sherloc (09022015). Collection method: clinical testing. Allele origin: germline.

Myriad Genetics, Inc.
Classification: Benign for Familial cancer of breast. Last evaluated: 2024-05-09. Review status: criteria provided, single submitter. Criteria: Myriad Autosomal Dominant, Autosomal Recessive and X-Linked Classification Criteria (2023). Collection method: clinical testing. Allele origin: unknown.
Comment: This variant is considered benign. This variant is a silent/synonymous amino acid change and it is not expected to impact splicing.

NM_000051.4(ATM):c.2628A>G (p.Gln876=)

Gene: ATM (ATM serine/threonine kinase; plus strand). Cytogenetic location: 11q22.3.
Variant type: single nucleotide variant.
Coding change: c.2628A>G on transcript NM_000051.4 (MANE Select); coding-DNA position 2628, A replaced by G.
Protein change: p.Gln876=; no amino-acid change (glutamine 876 retained).
Molecular consequence: synonymous variant.
Genome position (GRCh38, 1-based): chr11:108,267,332, A>G. VCF-style: chr11-108267332-A-G. GRCh37 (hg19) VCF-style: chr11-108138059-A-G.
Other names: c.2628A>G, p.Gln876= (NM_001351834.2).
Identifiers: ClinVar variation 1654041 (VCV001654041.9), dbSNP rs1339119718, ClinGen allele CA476673661.
Genomic context (GRCh38, chr11:108,267,332, plus strand): 5'-TCTATTTAACGATTACCCTGATAGTAGTGTTAGTGATGCAAACGAACCTGGAGAGAGCCA[A>G]AGTACCATAGGTAAATACATATTTACTACTTGGGATTTCTTTTACTTCTTTATATTGATT-3'
Protein context (NP_000042.3, residues 866-886): VSDANEPGES[Gln876=]STIGAINPLA